The following is an entry in ClinVar:

Conditions:
Breast-ovarian cancer, familial, susceptibility to, 1 (BROVCA1). Also called: BRCA1 Hereditary Breast and Ovarian Cancer; OVARIAN CANCER, SUSCEPTIBILITY TO. Identifiers: Orphanet 145, MedGen C2676676, MONDO:0011450, OMIM 604370. Disease mechanism: loss of function.

Submission:

Brotman Baty Institute, University of Washington
No classification provided (evidence only). Condition: Breast-ovarian cancer, familial 1. Review status: no classification provided. Collection method: in vitro. Allele origin: not applicable. Functional consequence: functionally_normal.
ClinVar note: "not provided" was previously submitted as the classification for the variant. However, the classification appeared to be based only on an observation of functional data so it was converted to no classification on 2025-07-30.

NM_007294.4(BRCA1):c.5253A>T (p.Arg1751=)

Gene: BRCA1 (BRCA1 DNA repair associated; minus strand). Cytogenetic location: 17q21.31.
Variant type: single nucleotide variant.
Coding change: c.5253A>T on transcript NM_007294.4 (MANE Select); coding-DNA position 5253, A replaced by T.
Protein change: p.Arg1751=; no amino-acid change (arginine 1751 retained).
Molecular consequence: synonymous variant.
Genome position (GRCh38, 1-based): chr17:43,057,076, T>A on the plus strand (A>T on the coding strand, the complement: BRCA1 is on the minus strand). VCF-style: chr17-43057076-T-A. GRCh37 (hg19) VCF-style: chr17-41209093-T-A.
Other names: c.5040A>T, p.Arg1680= (NM_001407571.1, NM_001407894.1, NM_001407895.1 and 12 more transcripts); c.5319A>T, p.Arg1773= (NM_001407581.1, NM_001407582.1); c.5316A>T, p.Arg1772= (NM_001407583.1, NM_001407585.1, NM_001407587.1 and 1 more transcripts); c.5313A>T, p.Arg1771= (NM_001407590.1, NM_001407591.1); c.5253A>T, p.Arg1751= (NM_001407593.1, NM_001407594.1, NM_001407596.1 and 7 more transcripts); c.5250A>T, p.Arg1750= (NM_001407610.1, NM_001407611.1, NM_001407612.1 and 17 more transcripts); c.5247A>T, p.Arg1749= (NM_001407627.1, NM_001407628.1, NM_001407629.1 and 14 more transcripts); c.5244A>T, p.Arg1748= (NM_001407644.1, NM_001407645.1); and 72 more.
Identifiers: ClinVar variation 867893 (VCV000867893.3), dbSNP rs2051505002, ClinGen allele CA500144599.